The following is an entry in ClinVar:

NM_001384732.1(CPLANE1):c.9007G>A (p.Glu3003Lys)

Gene: CPLANE1 (ciliogenesis and planar polarity effector complex subunit 1; minus strand). Cytogenetic location: 5p13.2.
Variant type: single nucleotide variant.
Coding change: c.9007G>A on transcript NM_001384732.1 (MANE Select); coding-DNA position 9007, G replaced by A.
Protein change: p.Glu3003Lys; replaces glutamic acid 3003 with lysine.
Molecular consequence: missense variant.
Genome position (GRCh38, 1-based): chr5:37,122,440, C>T on the plus strand (G>A on the coding strand, the complement: CPLANE1 is on the minus strand). VCF-style: chr5-37122440-C-T. GRCh37 (hg19) VCF-style: chr5-37122542-C-T.
Other names: c.8845G>A, p.Glu2949Lys (NM_023073.4); short protein forms E3003K, E2949K.
Identifiers: ClinVar variation 1995514 (VCV001995514.4), dbSNP rs374386158, ClinGen allele CA3237600.
Genomic context (GRCh38, chr5:37,122,440, plus strand): 5'-CAGCTAAGGAAGTTAGAGAGAAAACACAGGGTTACAGCTACCAAACTCACCTGTCTTTTT[C>T]ATGCTTCATCTTTTGTCTCAGCCTTATTTCCCTTGAAGTCATGTAAAGCTGCATAAAAAA-3'
Protein context (NP_001371661.1, residues 2993-3013): EIRLRQKMKH[Glu3003Lys]KDRLLLSEHY

ClinVar aggregate classification (germline): Uncertain significance (1 of 4 stars; one submission).

Allele frequency attached by ClinVar (database versions not stated): ExAC 0.00002; gnomAD 0.00002; TOPMed 0.00003; ESP Exome Variant Server 0.00008.
gnomAD v4.1: 3 of 1,612,750 alleles (0.00019%); highest among the groups gnomAD compares: African/African-American, 0.004%; no homozygotes.

Submission:

Labcorp Genetics (formerly Invitae), Labcorp
Classification: Uncertain significance. Last evaluated: 2022-10-04. Review status: criteria provided, single submitter. Criteria: Invitae Variant Classification Sherloc (09022015). Collection method: clinical testing. Allele origin: germline.
Comment: In summary, the available evidence is currently insufficient to determine the role of this variant in disease. Therefore, it has been classified as a Variant of Uncertain Significance. Advanced modeling of protein sequence and biophysical properties (such as structural, functional, and spatial information, amino acid conservation, physicochemical variation, residue mobility, and thermodynamic stability) performed at Invitae indicates that this missense variant is not expected to disrupt CPLANE1 protein function. This variant has not been reported in the literature in individuals affected with CPLANE1-related conditions. This variant is present in population databases (rs374386158, gnomAD 0.01%). This sequence change replaces glutamic acid, which is acidic and polar, with lysine, which is basic and polar, at codon 2949 of the CPLANE1 protein (p.Glu2949Lys).